The following is an entry in ClinVar:

ClinVar aggregate classification (germline): Uncertain significance. Review status: criteria provided, multiple submitters, no conflicts (2 of 4 stars). 2 submissions from 2 submitters: Uncertain significance (2). Last evaluated 2023-10-28.

Conditions:
Intellectual developmental disorder, autosomal dominant 42. Also called: GNB1 Encephalopathy; Global developmental delay-neuro-ophthalmological abnormalities-seizures-intellectual disability syndrome; Intellectual disability, autosomal dominant 42. Identifiers: Orphanet 488613, MedGen C4310774, MONDO:0014855, OMIM 616973.
Myelodysplastic syndrome (MDS). Also called: MYELODYSPLASTIC SYNDROME, SUSCEPTIBILITY TO; Myelodysplastic syndromes; Myelodysplastic syndrome, somatic. Identifiers: Orphanet 52688, MedGen C3463824, MeSH D009190, MONDO:0018881, OMIM 614286.
Acute lymphoid leukemia (ALL). Also called: Acute lymphoblastic leukemia; Acute lymphocytic leukemia; Lymphoblastic leukemia; Leukemia, acute lymphoblastic, somatic. Identifiers: Orphanet 513, MedGen C0023449, MONDO:0004967, OMIM 613065, HP:0006721.

Allele frequency attached by ClinVar (database versions not stated): gnomAD 0.00007; gnomAD exomes 0.00012; ExAC 0.00025.
gnomAD v4.1: 181 of 1,606,692 alleles (0.011%); highest among the groups gnomAD compares: East Asian, 0.02%; no homozygotes.

Submissions (2):

Labcorp Genetics (formerly Invitae), Labcorp
Classification: Uncertain significance. Last evaluated: 2023-10-28. Review status: criteria provided, single submitter. Criteria: Invitae Variant Classification Sherloc (09022015). Collection method: clinical testing. Allele origin: germline.
Comment: This sequence change replaces lysine, which is basic and polar, with glutamic acid, which is acidic and polar, at codon 57 of the GNB1 protein (p.Lys57Glu). The frequency data for this variant in the population databases is considered unreliable, as metrics indicate poor data quality at this position in the gnomAD database. This variant has not been reported in the literature in individuals affected with GNB1-related conditions. ClinVar contains an entry for this variant (Variation ID: 2065663). Advanced modeling of protein sequence and biophysical properties (such as structural, functional, and spatial information, amino acid conservation, physicochemical variation, residue mobility, and thermodynamic stability) performed at Invitae indicates that this missense variant is expected to disrupt GNB1 protein function with a positive predictive value of 80%. Experimental studies have shown that this missense change affects GNB1 function (PMID: 25485910). In summary, the available evidence is currently insufficient to determine the role of this variant in disease. Therefore, it has been classified as a Variant of Uncertain Significance.

Department of Pathology and Laboratory Medicine, Sinai Health System
Classification: Uncertain significance for Acute lymphoid leukemia; Myelodysplastic syndrome; Intellectual developmental disorder, autosomal dominant 42. Last evaluated: 2021-07-30. Review status: criteria provided, single submitter. Criteria: ACMG Guidelines, 2015. Collection method: research. Allele origin: germline.

Literature cited by the submitters: PubMed 25485910 (cited by Labcorp Genetics (formerly Invitae), Labcorp).

NM_002074.5(GNB1):c.169A>G (p.Lys57Glu)

Gene: GNB1 (G protein subunit beta 1; minus strand). Cytogenetic location: 1p36.33.
Variant type: single nucleotide variant.
Coding change: c.169A>G on transcript NM_002074.5 (MANE Select); coding-DNA position 169, A replaced by G.
Protein change: p.Lys57Glu; replaces lysine 57 with glutamic acid.
Molecular consequence: missense variant. On other transcripts: intron variant (1).
Genome position (GRCh38, 1-based): chr1:1,815,790, T>C on the plus strand (A>G on the coding strand, the complement: GNB1 is on the minus strand). VCF-style: chr1-1815790-T-C. GRCh37 (hg19) VCF-style: chr1-1747229-T-C.
Other names: c.169A>G, p.Lys57Glu (NM_001282539.2); c.-97-9252A>G (NM_001282538.2); short protein forms K57E.
Identifiers: ClinVar variation 2065663 (VCV002065663.5), dbSNP rs141326438, ClinGen allele CA532125.